The following is an entry in ClinVar:

ClinVar aggregate classification (germline): Benign. Review status: criteria provided, multiple submitters, no conflicts (2 of 4 stars). 2 submissions from 2 submitters: Benign (2). Last evaluated 2018-06-14.

Allele frequency attached by ClinVar (database versions not stated): 1000 Genomes Project 0.21446; 1000 Genomes Project 30x 0.21565; TOPMed 0.24273; gnomAD 0.25017 and 0.25365.
gnomAD v4.1: 38,183 of 151,866 alleles (25%); highest among the groups gnomAD compares: Non-Finnish European, 28%; 4,916 homozygotes.

Submissions (2):

GeneDx
Classification: Benign. Last evaluated: 2018-06-14. Review status: criteria provided, single submitter. Criteria: GeneDx Variant Classification (06012015). Collection method: clinical testing. Allele origin: germline. Affected: yes.
Comment: This variant is considered likely benign or benign based on one or more of the following criteria: it is a conservative change, it occurs at a poorly conserved position in the protein, it is predicted to be benign by multiple in silico algorithms, and/or has population frequency not consistent with disease.

Breakthrough Genomics
Classification: Benign. Review status: criteria provided, single submitter. Criteria: ACMG Guidelines, 2015. Collection method: not provided. Allele origin: germline. Inheritance: Autosomal dominant inheritance. Affected: yes.

NM_004984.4(KIF5A):c.2992+175C>G

Gene: KIF5A (kinesin family member 5A; plus strand). Cytogenetic location: 12q13.3.
Variant type: single nucleotide variant.
Coding change: c.2992+175C>G on transcript NM_004984.4 (MANE Select); 175 bases into the intron after coding-DNA position 2992, C replaced by G.
Molecular consequence: intron variant.
Genome position (GRCh38, 1-based): chr12:57,582,127, C>G. VCF-style: chr12-57582127-C-G. GRCh37 (hg19) VCF-style: chr12-57975910-C-G.
Other names: c.2725+175C>G (NM_001354705.2).
Identifiers: ClinVar variation 682865 (VCV000682865.2), dbSNP rs775248, ClinGen allele CA15725977.